The following is an entry in ClinVar:

ClinVar aggregate classification (germline): Uncertain significance (1 of 4 stars; one submission).

Conditions:
BBS10-related disorder. Also called: BBS10-related condition.

Submission:

PreventionGenetics, part of Exact Sciences
Classification: Uncertain significance for BBS10-related condition. Last evaluated: 2023-03-23. Review status: criteria provided, single submitter. Criteria: ACMG Guidelines, 2015. Collection method: clinical testing. Allele origin: germline.
Comment: The BBS10 c.1140A>T variant is predicted to result in the amino acid substitution p.Arg380Ser. To our knowledge, this variant has not been reported in the literature or in a large population database, indicating this variant is rare. At this time, the clinical significance of this variant is uncertain due to the absence of conclusive functional and genetic evidence.

NM_024685.4(BBS10):c.1140A>T (p.Arg380Ser)

Gene: BBS10 (Bardet-Biedl syndrome 10; minus strand). Cytogenetic location: 12q21.2.
Variant type: single nucleotide variant.
Coding change: c.1140A>T on transcript NM_024685.4 (MANE Select); coding-DNA position 1140, A replaced by T.
Protein change: p.Arg380Ser; replaces arginine 380 with serine.
Molecular consequence: missense variant.
Genome position (GRCh38, 1-based): chr12:76,346,845, T>A on the plus strand (A>T on the coding strand, the complement: BBS10 is on the minus strand). VCF-style: chr12-76346845-T-A. GRCh37 (hg19) VCF-style: chr12-76740625-T-A.
Other names: short protein forms R380S.
Identifiers: ClinVar variation 2633688 (VCV002633688.1), dbSNP rs760673745, ClinGen allele CA385812609.